The following is an entry in ClinVar:

ClinVar aggregate classification (germline): Uncertain significance. Review status: criteria provided, multiple submitters, no conflicts (2 of 4 stars). 2 submissions from 2 submitters: Uncertain significance (2). Last evaluated 2026-09-25.

Conditions:
HTR2C-related disorder. Also called: HTR2C-related condition.

gnomAD v4.1: 4 of 1,211,117 alleles (0.00033%); highest among the groups gnomAD compares: Non-Finnish European, 0.00034%; no homozygotes.

Submissions (2):

PreventionGenetics, part of Exact Sciences
Classification: Uncertain significance for HTR2C-related condition. Last evaluated: 2026-09-25. Review status: criteria provided, single submitter. Criteria: ACMG Guidelines, 2015. Collection method: clinical testing. Allele origin: germline.
Comment: The HTR2C c.631G>A variant is predicted to result in the amino acid substitution p.Asp211Asn. To our knowledge, this variant has not been reported in the literature or in a large population database (gnomAD), indicating this variant is rare. At this time, the clinical significance of this variant is uncertain due to the absence of conclusive functional and genetic evidence.

Ambry Genetics
Classification: Uncertain significance. Last evaluated: 2024-08-12. Review status: criteria provided, single submitter. Criteria: Ambry Variant Classification Scheme 2023. Collection method: clinical testing. Allele origin: germline.

NM_000868.4(HTR2C):c.631G>A (p.Asp211Asn)

Genes: HTR2C (5-hydroxytryptamine receptor 2C; plus strand), LOC126863306 (MED14-independent group 3 enhancer GRCh37_chrX:114140926-114142125; plus strand). Cytogenetic location: Xq23.
Variant type: single nucleotide variant.
Coding change: c.631G>A on transcript NM_000868.4 (MANE Select); coding-DNA position 631, G replaced by A.
Protein change: p.Asp211Asn; replaces aspartic acid 211 with asparagine.
Molecular consequence: missense variant.
Genome position (GRCh38, 1-based): chrX:114,906,669, G>A. VCF-style: chrX-114906669-G-A. GRCh37 (hg19) VCF-style: chrX-114141232-G-A.
Other names: c.631G>A, p.Asp211Asn (NM_001256760.3); c.536G>A, p.Arg179Gln (NM_001256761.3); c.631G>A (NM_000868.3); short protein forms D211N, R179Q.
Identifiers: ClinVar variation 3527099 (VCV003527099.2).